The following is an entry in ClinVar:

ClinVar aggregate classification (germline): Pathogenic (1 of 4 stars; one submission).

Conditions:
Hereditary diffuse gastric adenocarcinoma (HDGC). Also called: DIFFUSE GASTRIC AND LOBULAR BREAST CANCER SYNDROME. Identifiers: Orphanet 26106, MedGen C1708349, MONDO:0007648, OMIM 137215.

Submission:

Labcorp Genetics (formerly Invitae), Labcorp
Classification: Pathogenic for Hereditary diffuse gastric adenocarcinoma. Last evaluated: 2022-10-28. Review status: criteria provided, single submitter. Criteria: Invitae Variant Classification Sherloc (09022015). Collection method: clinical testing. Allele origin: germline.
Comment: ClinVar contains an entry for this variant (Variation ID: 655128). For these reasons, this variant has been classified as Pathogenic. This variant has not been reported in the literature in individuals affected with CDH1-related conditions. This sequence change creates a premature translational stop signal (p.Thr211Glnfs*4) in the CDH1 gene. It is expected to result in an absent or disrupted protein product. Loss-of-function variants in CDH1 are known to be pathogenic (PMID: 15235021, 20373070). This variant is not present in population databases (gnomAD no frequency).

Literature cited by the submitters: PubMed 15235021; PubMed 20373070.

NM_004360.5(CDH1):c.631del (p.Thr211fs)

Gene: CDH1 (cadherin 1; plus strand). Cytogenetic location: 16q22.1.
Variant type: Deletion.
Coding change: c.631del on transcript NM_004360.5 (MANE Select); coding-DNA position 631, one base deleted (A; older notation c.631delA).
Protein change: p.Thr211fs; shifts the reading frame from threonine 211.
Molecular consequence: frameshift variant. On other transcripts: 5 prime UTR variant (2).
Genome position (GRCh38, 1-based): chr16:68,808,792, A deleted; the last of 3 consecutive A bases (chr16:68,808,790-68,808,792); deleting any one gives the same sequence. VCF-style (leftmost placement, unchanged base first): chr16-68808789-GA-G. GRCh37 (hg19) VCF-style: chr16-68842692-GA-G.
Other names: c.631del, p.Thr211fs (NM_001317184.2); c.-985del (NM_001317185.2); c.-1189del (NM_001317186.2); short protein forms T211fs.
Identifiers: ClinVar variation 655128 (VCV000655128.7), dbSNP rs1597891145, ClinGen allele CA915949302.
Genomic context (GRCh38, chr16:68,808,789, plus strand): 5'-TACAGCATCACTGGCCAAGGAGCTGACACACCCCCTGTTGGTGTCTTTATTATTGAAAGA[GA>G]AACAGGATGGCTGAAGGTGACAGAGCCTCTGGATAGAGAACGCATTGCCACATACACTGT-3'